The following is an entry in ClinVar:

ClinVar aggregate classification (germline): Benign/Likely benign. Review status: criteria provided, multiple submitters, no conflicts (2 of 4 stars). 3 submissions from 3 submitters: Benign (1); Likely benign (2). Last evaluated 2026-07-09.

Conditions:
Hereditary cancer-predisposing syndrome. Also called: Hereditary neoplastic syndrome; Neoplastic Syndromes, Hereditary; Tumor predisposition; Hereditary Cancer Syndrome. Identifiers: Orphanet 140162, MedGen C0027672, MeSH D009386, MONDO:0015356.
Rhabdoid tumor predisposition syndrome 2 (RTPS2). Identifiers: Orphanet 231108, Orphanet 69077, MedGen C2750074, MONDO:0013224, OMIM 613325.

gnomAD v4.1: 1 of 1,562,270 alleles (0.000064%); highest among the groups gnomAD compares: Admixed American, 0.0019%; no homozygotes.

Submissions (3):

Myriad Genetics, Inc.
Classification: Benign for Rhabdoid tumor predisposition syndrome 2. Last evaluated: 2026-07-09. Review status: criteria provided, single submitter. Criteria: Myriad Autosomal Dominant, Autosomal Recessive and X-Linked Classification Criteria (2023). Collection method: clinical testing. Allele origin: unknown.
Comment: This variant is considered benign. This variant is a silent/synonymous amino acid change and it is not expected to impact splicing.

Labcorp Genetics (formerly Invitae), Labcorp
Classification: Likely benign for Rhabdoid tumor predisposition syndrome 2. Last evaluated: 2023-01-28. Review status: criteria provided, single submitter. Criteria: Invitae Variant Classification Sherloc (09022015). Collection method: clinical testing. Allele origin: germline.

Ambry Genetics
Classification: Likely benign for Hereditary cancer-predisposing syndrome. Last evaluated: 2017-10-13. Review status: criteria provided, single submitter. Criteria: Ambry Variant Classification Scheme 2023. Collection method: clinical testing. Allele origin: germline.

NM_003072.5(SMARCA4):c.618C>G (p.Gly206=)

Gene: SMARCA4 (SWI/SNF related BAF chromatin remodeling complex subunit ATPase 4; plus strand). Cytogenetic location: 19p13.2.
Variant type: single nucleotide variant.
Coding change: c.618C>G on transcript NM_003072.5 (MANE Select); coding-DNA position 618, C replaced by G.
Protein change: p.Gly206=; no amino-acid change (glycine 206 retained).
Molecular consequence: synonymous variant. On other transcripts: non-coding transcript variant (1).
Genome position (GRCh38, 1-based): chr19:10,986,451, C>G. VCF-style: chr19-10986451-C-G. GRCh37 (hg19) VCF-style: chr19-11097127-C-G.
Other names: c.618C>G, p.Gly206= (NM_001128844.3, NM_001128845.2, NM_001128846.2 and 4 more transcripts).
Identifiers: ClinVar variation 826229 (VCV000826229.14), dbSNP rs781758884, ClinGen allele CA505744021.